The following is an entry in ClinVar:

ClinVar aggregate classification (germline): Benign. Review status: criteria provided, multiple submitters, no conflicts (2 of 4 stars). 4 submissions from 4 submitters: Benign (4). Last evaluated 2017-08-03.

Allele frequency attached by ClinVar (database versions not stated): gnomAD exomes 0.00161 and 0.00337; ExAC 0.00234; gnomAD 0.01644 and 0.01739; TOPMed 0.01887; 1000 Genomes Project 30x 0.01936; 1000 Genomes Project 0.01977.
gnomAD v4.1: 4,857 of 1,544,524 alleles (0.31%); highest among the groups gnomAD compares: African/African-American, 5.8%; 145 homozygotes.

Submissions (4):

GeneDx
Classification: Benign. Last evaluated: 2017-08-03. Review status: criteria provided, single submitter. Criteria: GeneDx Variant Classification (06012015). Collection method: clinical testing. Allele origin: germline. Affected: yes.
Comment: This variant is considered likely benign or benign based on one or more of the following criteria: it is a conservative change, it occurs at a poorly conserved position in the protein, it is predicted to be benign by multiple in silico algorithms, and/or has population frequency not consistent with disease.

Eurofins Ntd Llc (ga)
Classification: Benign. Last evaluated: 2015-11-23. Review status: criteria provided, single submitter. Criteria: EGL Classification Definitions 2015. Collection method: clinical testing. Allele origin: germline. Observed: 4 variant alleles, 4 heterozygotes.

Breakthrough Genomics
Classification: Benign. Review status: criteria provided, single submitter. Criteria: ACMG Guidelines, 2015. Collection method: not provided. Allele origin: germline. Inheritance: Autosomal recessive inheritance. Affected: yes.

PreventionGenetics, part of Exact Sciences
Classification: Benign. Review status: criteria provided, single submitter. Criteria: ACMG Guidelines, 2015. Collection method: clinical testing. Allele origin: germline.

NM_020549.5(CHAT):c.-17G>A

Gene: CHAT (choline O-acetyltransferase; plus strand). Cytogenetic location: 10q11.23.
Variant type: single nucleotide variant.
Coding change: c.-17G>A on transcript NM_020549.5 (MANE Select); 17 bases upstream of the start codon, G replaced by A.
Molecular consequence: 5 prime UTR variant. On other transcripts: intron variant (3).
Genome position (GRCh38, 1-based): chr10:49,614,173, G>A. VCF-style: chr10-49614173-G-A. GRCh37 (hg19) VCF-style: chr10-50822219-G-A.
Other names: c.-371G>A (NM_001142929.2); c.-333G>A (NM_001142933.2); c.-441G>A (NM_001142934.2); c.-68-2329G>A (NM_020984.4); c.-240-131G>A (NM_020985.4); c.-69+971G>A (NM_020986.4).
Identifiers: ClinVar variation 193434 (VCV000193434.7), dbSNP rs77152496, ClinGen allele CA200568.